The following is an entry in ClinVar:

NM_000465.4(BARD1):c.1810+3G>A

Gene: BARD1 (BRCA1 associated RING domain 1; minus strand). Cytogenetic location: 2q35.
Variant type: single nucleotide variant.
Coding change: c.1810+3G>A on transcript NM_000465.4 (MANE Select); 3 bases into the intron after coding-DNA position 1810, G replaced by A.
Molecular consequence: intron variant.
Genome position (GRCh38, 1-based): chr2:214,745,719, C>T on the plus strand (G>A on the coding strand, the complement: BARD1 is on the minus strand). VCF-style: chr2-214745719-C-T. GRCh37 (hg19) VCF-style: chr2-215610443-C-T.
Other names: c.400+3G>A (NM_001282548.2); c.1753+3G>A (NM_001282543.2); c.457+3G>A (NM_001282545.2); c.365-15211G>A (NM_001282549.2).
Identifiers: ClinVar variation 801052 (VCV000801052.19), dbSNP rs1310430913, ClinGen allele CA764567776.
Genomic context (GRCh38, chr2:214,745,719, plus strand): 5'-CTCCAAAAGGATCATCTATTTAACATTTTTTCTACCCCACCTCCCAAAATTCAAAATCCT[C>T]ACCTGTACTGTCAAACTCAGTATATTTTTTAGCCTTAAGAATTACTGCAAGCTCACTGAG-3'

ClinVar aggregate classification (germline): Conflicting classifications of pathogenicity. Review status: criteria provided, conflicting classifications (1 of 4 stars). 5 submissions from 5 submitters: Uncertain significance (3); Likely benign (2). Last evaluated 2025-07-31.

Conditions:
Familial cancer of breast. Also called: hereditary breast carcinoma; BREAST CANCER, FAMILIAL; Hereditary breast cancer. Identifiers: Orphanet 227535, MedGen C0346153, MONDO:0016419, OMIM 114480. Disease mechanism: loss of function.
Hereditary cancer-predisposing syndrome. Also called: Tumor predisposition; Neoplastic Syndromes, Hereditary; Hereditary Cancer Syndrome; Hereditary neoplastic syndrome. Identifiers: Orphanet 140162, MedGen C0027672, MeSH D009386, MONDO:0015356.

Allele frequency attached by ClinVar (database versions not stated): gnomAD exomes below 0.00001; gnomAD 0.00001; TOPMed 0.00001.
gnomAD v4.1: 2 of 1,613,888 alleles (0.00012%); highest among the groups gnomAD compares: African/African-American, 0.0013%; no homozygotes.

Submissions (5):

Labcorp Genetics (formerly Invitae), Labcorp
Classification: Likely benign for Familial cancer of breast. Last evaluated: 2025-07-31. Review status: criteria provided, single submitter. Criteria: Invitae Variant Classification Sherloc (09022015). Collection method: clinical testing. Allele origin: germline.

Myriad Genetics, Inc.
Classification: Likely benign for Familial cancer of breast. Last evaluated: 2024-07-26. Review status: criteria provided, single submitter. Criteria: Myriad Autosomal Dominant, Autosomal Recessive and X-Linked Classification Criteria (2023). Collection method: clinical testing. Allele origin: unknown.
Comment: This variant is considered likely benign. This variant is intronic and is not expected to impact mRNA splicing.

Ambry Genetics
Classification: Uncertain significance for Hereditary cancer-predisposing syndrome. Last evaluated: 2023-05-22. Review status: criteria provided, single submitter. Criteria: Ambry Variant Classification Scheme 2023. Collection method: clinical testing. Allele origin: germline.
Comment: The c.1810+3G>A intronic variant results from a G to A substitution 3 nucleotides after coding exon 8 in the BARD1 gene. This nucleotide position is not well conserved in available vertebrate species. In silico splice site analysis predicts that this alteration will not have any significant effect on splicing; however, direct evidence is insufficient at this time (Ambry internal data). Since supporting evidence is limited at this time, the clinical significance of this alteration remains unclear.

Color Diagnostics, LLC DBA Color Health
Classification: Uncertain significance for Hereditary cancer-predisposing syndrome. Last evaluated: 2021-02-26. Review status: criteria provided, single submitter. Criteria: ACMG Guidelines, 2015. Collection method: clinical testing. Allele origin: germline.
Comment: This variant causes a G to A nucleotide substitution at the +3 position of intron 8 of the BARD1 gene. Splice site prediction tools suggest that this variant may not impact RNA splicing, although this prediction has not been confirmed in published RNA studies. To our knowledge, this variant has not been reported in individuals affected with hereditary cancer in the literature. This variant has not been identified in the general population by the Genome Aggregation Database (gnomAD). The available evidence is insufficient to determine the role of this variant in disease conclusively. Therefore, this variant is classified as a Variant of Uncertain Significance.

Quest Diagnostics Nichols Institute San Juan Capistrano
Classification: Uncertain significance. Last evaluated: 2019-04-01. Review status: criteria provided, single submitter. Criteria: Quest Diagnostics criteria. Collection method: clinical testing. Allele origin: germline.